The following is an entry in ClinVar:

ClinVar aggregate classification (germline): Benign/Likely benign. Review status: criteria provided, multiple submitters, no conflicts (2 of 4 stars). 13 submissions from 13 submitters: Benign (9); Likely benign (3). 1 of the submissions does not count toward it. Last evaluated 2026-08-01.

Conditions:
Alport syndrome. Also called: Hemorrhagic familial nephritis; Hemorrhagic hereditary nephritis; Congenital hereditary hematuria. Identifiers: Orphanet 63, MedGen C1567741, MONDO:0018965.
Focal segmental glomerulosclerosis (FSGS). Also called: Glomerulosclerosis, focal; Focal sclerosis with hyalinosis. Identifiers: MedGen C0017668, MONDO:0100313, HP:0000097. Disease mechanism: loss of function.
Autosomal recessive Alport syndrome (ATS2). Also called: COL4A4 Alport Syndrome and Thin Basement Membrane Nephropathy; ALPORT SYNDROME 2, AUTOSOMAL RECESSIVE; COL4A3-Related Nephropathy; Alport syndrome type 2. Identifiers: Orphanet 63, Orphanet 88919, MedGen C4746745, MONDO:0008762, OMIM 203780.

Allele frequency attached by ClinVar (database versions not stated): 1000 Genomes Project 0.00339; 1000 Genomes Project 30x 0.00390; TOPMed 0.00592; ESP Exome Variant Server 0.00772.
gnomAD v4.1: 13,206 of 1,614,062 alleles (0.82%); highest among the groups gnomAD compares: Non-Finnish European, 1%; 76 homozygotes.

Submissions (13):

CeGaT Center for Human Genetics Tuebingen
Classification: Benign. Last evaluated: 2026-08-01. Review status: criteria provided, single submitter. Criteria: CeGaT Center For Human Genetics Tuebingen Variant Classification Criteria Version 2. Collection method: clinical testing. Allele origin: germline. Affected: yes. Observed: 16 variant alleles.
Comment: COL4A4: BP4, BP7, BS1, BS2

Labcorp Genetics (formerly Invitae), Labcorp
Classification: Benign. Last evaluated: 2026-02-01. Review status: criteria provided, single submitter. Criteria: Invitae Variant Classification Sherloc (09022015). Collection method: clinical testing. Allele origin: germline.

Blueprint Genetics
Classification: Likely benign. Last evaluated: 2024-11-25. Review status: criteria provided, single submitter. Criteria: ACMG Guidelines, 2015. Collection method: clinical testing. Allele origin: germline.

Mayo Clinic Laboratories, Mayo Clinic
Classification: Benign. Last evaluated: 2024-06-13. Review status: criteria provided, single submitter. Criteria: ACMG Guidelines, 2015. Collection method: clinical testing. Allele origin: germline. Observed: 5 variant alleles.
Comment: BS1, BS2, BP4, BP7

Genome Diagnostics Laboratory, The Hospital for Sick Children
Classification: Benign for Focal segmental glomerulosclerosis. Last evaluated: 2021-11-23. Review status: criteria provided, single submitter. Criteria: ACMG Guidelines, 2015. Collection method: clinical testing. Allele origin: germline.

Genome-Nilou Lab
Classification: Benign for Autosomal recessive Alport syndrome. Last evaluated: 2021-05-18. Review status: criteria provided, single submitter. Criteria: ACMG Guidelines, 2015. Collection method: clinical testing. Allele origin: germline. Affected: no.

GeneDx
Classification: Benign. Last evaluated: 2018-08-06. Review status: criteria provided, single submitter. Criteria: GeneDx Variant Classification Process June 2021. Collection method: clinical testing. Allele origin: germline. Affected: yes.
Comment: This variant is associated with the following publications: (PMID: 17396119, 20029656)

Illumina Laboratory Services, Illumina
Classification: Likely benign for Alport syndrome. Last evaluated: 2018-01-13. Review status: criteria provided, single submitter. Criteria: ICSL Variant Classification Criteria 13 December 2019. Collection method: clinical testing. Allele origin: germline.
Comment: This variant was observed in the ICSL laboratory as part of a predisposition screen in an ostensibly healthy population. It had not been previously curated by ICSL or reported in the Human Gene Mutation Database (HGMD: prior to June 1st, 2018), and was therefore a candidate for classification through an automated scoring system. Utilizing variant allele frequency, disease prevalence and penetrance estimates, and inheritance mode, an automated score was calculated to assess if this variant is too frequent to cause the disease. Based on the score and internal cut-off values, a variant classified as likely benign is not then subjected to further curation. The score for this variant resulted in a classification of likely benign for this disease.

Eurofins Ntd Llc (ga)
Classification: Benign. Last evaluated: 2017-08-15. Review status: criteria provided, single submitter. Criteria: EGL Classification Definitions 2015. Collection method: clinical testing. Allele origin: germline. Observed: 1 variant allele, 1 heterozygote.

Athena Diagnostics
Classification: Benign. Last evaluated: 2016-09-08. Review status: criteria provided, single submitter. Criteria: Athena Diagnostics Criteria. Collection method: clinical testing. Allele origin: germline.

Laboratory for Molecular Medicine, Mass General Brigham Personalized Medicine
Classification: Benign. Last evaluated: 2016-03-21. Review status: criteria provided, single submitter. Criteria: LMM Criteria. Collection method: clinical testing. Allele origin: germline. Observed: 6 variant alleles.
Comment: p.Gly789Gly in exon 28 of COL4A4: This variant is not expected to have clinical significance because it does not alter an amino acid residue, is not located wit hin the splice consensus sequence, and has been identified in 0.93% (622/66730) of European chromosomes by the Exome Aggregation Consortium (ExAC; dbSNP rs56247709).

Breakthrough Genomics
Classification: Likely benign. Review status: criteria provided, single submitter. Criteria: ACMG Guidelines, 2015. Collection method: not provided. Allele origin: germline. Inheritance: Autosomal recessive inheritance. Affected: yes.

Natera, Inc.
Classification: Benign for Alport syndrome. Last evaluated: 2019-11-01. Review status: no assertion criteria provided. Collection method: clinical testing. Allele origin: germline. Not counted in ClinVar's aggregate classification.

Literature cited by the submitters: PubMed 20029656 (cited by Athena Diagnostics); PubMed 25514610 (cited by Athena Diagnostics); PubMed 17396119 (cited by Athena Diagnostics).

NM_000092.5(COL4A4):c.2367A>T (p.Gly789=)

Gene: COL4A4 (collagen type IV alpha 4 chain; minus strand). Cytogenetic location: 2q36.3.
Variant type: single nucleotide variant.
Coding change: c.2367A>T on transcript NM_000092.5 (MANE Select); coding-DNA position 2367, A replaced by T.
Protein change: p.Gly789=; no amino-acid change (glycine 789 retained).
Molecular consequence: synonymous variant.
Genome position (GRCh38, 1-based): chr2:227,059,421, T>A on the plus strand (A>T on the coding strand, the complement: COL4A4 is on the minus strand). VCF-style: chr2-227059421-T-A. GRCh37 (hg19) VCF-style: chr2-227924137-T-A.
Other names: p.Gly789=.
Identifiers: ClinVar variation 334721 (VCV000334721.66), dbSNP rs56247709, ClinGen allele CA2144830.